The following is an entry in ClinVar:

ClinVar aggregate classification (germline): Uncertain significance (1 of 4 stars; one submission).

Conditions:
Infantile-onset ascending hereditary spastic paralysis (IAHSP). Also called: Infantile-Onset Ascending Hereditary Spastic Paralysis (IAHSP); Autosomal Recessive Juvenile Amyotrophic Lateral Sclerosis. Identifiers: Orphanet 293168, MedGen C2931441, MONDO:0011797, OMIM 607225. Disease mechanism: loss of function.

Allele frequency attached by ClinVar (database versions not stated): TOPMed 0.00002; gnomAD 0.00003; 1000 Genomes Project 30x 0.00016; 1000 Genomes Project 0.00020.
gnomAD v4.1: 51 of 1,614,196 alleles (0.0032%); highest among the groups gnomAD compares: Non-Finnish European, 0.0042%; no homozygotes.

Submission:

Labcorp Genetics (formerly Invitae), Labcorp
Classification: Uncertain significance for Infantile-onset ascending hereditary spastic paralysis. Last evaluated: 2023-04-05. Review status: criteria provided, single submitter. Criteria: Invitae Variant Classification Sherloc (09022015). Collection method: clinical testing. Allele origin: germline.
Comment: ClinVar contains an entry for this variant (Variation ID: 960396). Advanced modeling of protein sequence and biophysical properties (such as structural, functional, and spatial information, amino acid conservation, physicochemical variation, residue mobility, and thermodynamic stability) performed at Invitae indicates that this missense variant is not expected to disrupt ALS2 protein function. In summary, the available evidence is currently insufficient to determine the role of this variant in disease. Therefore, it has been classified as a Variant of Uncertain Significance. This missense change has been observed in individual(s) with amyotrophic lateral sclerosis (PMID: 28430856). This sequence change replaces serine, which is neutral and polar, with glycine, which is neutral and non-polar, at codon 654 of the ALS2 protein (p.Ser654Gly). This variant is present in population databases (rs61757690, gnomAD 0.003%).

Literature cited by the submitters: PubMed 28430856.

NM_020919.4(ALS2):c.1960A>G (p.Ser654Gly)

Gene: ALS2 (alsin Rho guanine nucleotide exchange factor ALS2; minus strand). Cytogenetic location: 2q33.1.
Variant type: single nucleotide variant.
Coding change: c.1960A>G on transcript NM_020919.4 (MANE Select); coding-DNA position 1960, A replaced by G.
Protein change: p.Ser654Gly; replaces serine 654 with glycine.
Molecular consequence: missense variant.
Genome position (GRCh38, 1-based): chr2:201,746,604, T>C on the plus strand (A>G on the coding strand, the complement: ALS2 is on the minus strand). VCF-style: chr2-201746604-T-C. GRCh37 (hg19) VCF-style: chr2-202611327-T-C.
Other names: short protein forms S654G.
Identifiers: ClinVar variation 960396 (VCV000960396.7), dbSNP rs61757690, ClinGen allele CA2058319.